The following is an entry in ClinVar:

NM_001291303.3(FAT4):c.11205T>G (p.Phe3735Leu)

Gene: FAT4 (FAT atypical cadherin 4; plus strand). Cytogenetic location: 4q28.1.
Variant type: single nucleotide variant.
Coding change: c.11205T>G on transcript NM_001291303.3 (MANE Select); coding-DNA position 11205, T replaced by G.
Protein change: p.Phe3735Leu; replaces phenylalanine 3735 with leucine.
Molecular consequence: missense variant.
Genome position (GRCh38, 1-based): chr4:125,452,215, T>G. VCF-style: chr4-125452215-T-G. GRCh37 (hg19) VCF-style: chr4-126373370-T-G.
Other names: c.11205T>G, p.Phe3735Leu (NM_001291285.3); c.11199T>G, p.Phe3733Leu (NM_024582.6); short protein forms F3733L, F3735L.
Identifiers: ClinVar variation 1194780 (VCV001194780.6), dbSNP rs1319618330, ClinGen allele CA358161742.

ClinVar aggregate classification (germline): Uncertain significance. Review status: criteria provided, multiple submitters, no conflicts (2 of 4 stars). 2 submissions from 2 submitters: Uncertain significance (2). Last evaluated 2022-04-20.

Allele frequency attached by ClinVar (database versions not stated): gnomAD 0.00001; gnomAD exomes 0.00001 and 0.00006; TOPMed 0.00001.
gnomAD v4.1: 85 of 1,614,130 alleles (0.0053%); highest among the groups gnomAD compares: Non-Finnish European, 0.0071%; no homozygotes.

Submissions (2):

Labcorp Genetics (formerly Invitae), Labcorp
Classification: Uncertain significance. Last evaluated: 2022-04-20. Review status: criteria provided, single submitter. Criteria: Invitae Variant Classification Sherloc (09022015). Collection method: clinical testing. Allele origin: germline.
Comment: In summary, the available evidence is currently insufficient to determine the role of this variant in disease. Therefore, it has been classified as a Variant of Uncertain Significance. This sequence change replaces phenylalanine, which is neutral and non-polar, with leucine, which is neutral and non-polar, at codon 3733 of the FAT4 protein (p.Phe3733Leu). This variant is present in population databases (no rsID available, gnomAD 0.002%). This variant has not been reported in the literature in individuals affected with FAT4-related conditions. ClinVar contains an entry for this variant (Variation ID: 1194780). Advanced modeling of protein sequence and biophysical properties (such as structural, functional, and spatial information, amino acid conservation, physicochemical variation, residue mobility, and thermodynamic stability) performed at Invitae indicates that this missense variant is not expected to disrupt FAT4 protein function.

GeneDx
Classification: Uncertain significance. Last evaluated: 2021-02-19. Review status: criteria provided, single submitter. Criteria: GeneDx Variant Classification Process June 2021. Collection method: clinical testing. Allele origin: germline. Affected: yes.
Comment: Not observed at a significant frequency in large population cohorts (Lek et al., 2016); In silico analysis supports that this missense variant does not alter protein structure/function; Has not been previously published as pathogenic or benign to our knowledge